The following is an entry in ClinVar:

NM_001042492.3(NF1):c.2395A>T (p.Met799Leu)

Gene: NF1 (neurofibromin 1; plus strand). Cytogenetic location: 17q11.2.
Variant type: single nucleotide variant.
Coding change: c.2395A>T on transcript NM_001042492.3 (MANE Select); coding-DNA position 2395, A replaced by T.
Protein change: p.Met799Leu; replaces methionine 799 with leucine.
Molecular consequence: missense variant.
Genome position (GRCh38, 1-based): chr17:31,227,592, A>T. VCF-style: chr17-31227592-A-T. GRCh37 (hg19) VCF-style: chr17-29554610-A-T.
Other names: c.2395A>T, p.Met799Leu (NM_000267.4); short protein forms M799L.
Identifiers: ClinVar variation 404516 (VCV000404516.8), dbSNP rs1060500317, ClinGen allele CA16615595.

ClinVar aggregate classification (germline): Conflicting classifications of pathogenicity. Review status: criteria provided, conflicting classifications (1 of 4 stars). 2 submissions from 2 submitters: Uncertain significance (1); Likely benign (1). Last evaluated 2026-04-17.

Conditions:
Hereditary cancer-predisposing syndrome. Also called: Hereditary Cancer Syndrome; Tumor predisposition; Hereditary neoplastic syndrome; Neoplastic Syndromes, Hereditary. Identifiers: Orphanet 140162, MedGen C0027672, MeSH D009386, MONDO:0015356.
Cardiovascular phenotype. Identifiers: MedGen CN230736.
Neurofibromatosis, type 1 (NF1). Also called: VON RECKLINGHAUSEN DISEASE; NEUROFIBROMATOSIS, TYPE I, SOMATIC; Peripheral type neurofibromatosis; Neurofibromatosis, type I. Identifiers: Orphanet 636, MedGen C0027831, MONDO:0018975, OMIM 162200. Disease mechanism: loss of function.

Submissions (2):

Ambry Genetics
Classification: Likely benign for Cardiovascular phenotype; Hereditary cancer-predisposing syndrome. Last evaluated: 2026-04-17. Review status: criteria provided, single submitter. Criteria: Ambry Variant Classification Scheme 2023. Collection method: clinical testing. Allele origin: germline.

Labcorp Genetics (formerly Invitae), Labcorp
Classification: Uncertain significance for Neurofibromatosis, type 1. Last evaluated: 2016-07-20. Review status: criteria provided, single submitter. Criteria: Invitae Variant Classification Sherloc (09022015). Collection method: clinical testing. Allele origin: germline.
Comment: In summary, this variant is a novel missense change that is not predicted to affect protein function. There is no indication that it causes disease, but the available evidence is currently insufficient to prove that conclusively. Therefore, it has been classified as a Variant of Uncertain Significance. Algorithms developed to predict the effect of missense changes on protein structure and function (SIFT, PolyPhen-2, Align-GVGD) all suggest that this variant is likely to be tolerated, but these predictions have not been confirmed by published functional studies. This variant is not present in population databases (ExAC no frequency) and has not been reported in the literature in individuals with a NF1-related disease. This sequence change replaces methionine with leucine at codon 799 of the NF1 protein (p.Met799Leu). The methionine residue is moderately conserved and there is a small physicochemical difference between methionine and leucine.